The following is an entry in ClinVar:

ClinVar aggregate classification (germline): Uncertain significance (1 of 4 stars; one submission).

Submission:

Labcorp Genetics (formerly Invitae), Labcorp
Classification: Uncertain significance. Last evaluated: 2024-02-01. Review status: criteria provided, single submitter. Criteria: Invitae Variant Classification Sherloc (09022015). Collection method: clinical testing. Allele origin: germline.
Comment: This sequence change replaces valine, which is neutral and non-polar, with methionine, which is neutral and non-polar, at codon 376 of the TGFB1 protein (p.Val376Met). This variant is not present in population databases (gnomAD no frequency). This variant has not been reported in the literature in individuals affected with TGFB1-related conditions. Advanced modeling of protein sequence and biophysical properties (such as structural, functional, and spatial information, amino acid conservation, physicochemical variation, residue mobility, and thermodynamic stability) performed at Invitae indicates that this missense variant is not expected to disrupt TGFB1 protein function with a negative predictive value of 80%. In summary, the available evidence is currently insufficient to determine the role of this variant in disease. Therefore, it has been classified as a Variant of Uncertain Significance.

NM_000660.7(TGFB1):c.1126G>A (p.Val376Met)

Gene: TGFB1 (transforming growth factor beta 1; minus strand). Cytogenetic location: 19q13.2.
Variant type: single nucleotide variant.
Coding change: c.1126G>A on transcript NM_000660.7 (MANE Select); coding-DNA position 1126, G replaced by A.
Protein change: p.Val376Met; replaces valine 376 with methionine.
Molecular consequence: missense variant.
Genome position (GRCh38, 1-based): chr19:41,331,099, C>T on the plus strand (G>A on the coding strand, the complement: TGFB1 is on the minus strand). VCF-style: chr19-41331099-C-T. GRCh37 (hg19) VCF-style: chr19-41837004-C-T.
Other names: short protein forms V376M.
Identifiers: ClinVar variation 3638149 (VCV003638149.2).
Genomic context (GRCh38, chr19:41,331,099, plus strand): 5'-GCGGGGCGGGACCTCAGCTGCACTTGCAGGAGCGCACGATCATGTTGGACAGCTGCTCCA[C>T]CTTGGGCTTGCGGCCCACGTAGTACACGATGGGCAGCGGCTCCAGCGCCTGCGGCACGCA-3'
Protein context (NP_000651.3, residues 366-386): IVYYVGRKPK[Val376Met]EQLSNMIVRS